The following is an entry in ClinVar:

ClinVar aggregate classification (germline): Uncertain significance (1 of 4 stars; one submission).

Conditions:
Hereditary cancer-predisposing syndrome. Also called: Neoplastic Syndromes, Hereditary; Tumor predisposition; Hereditary Cancer Syndrome; Hereditary neoplastic syndrome. Identifiers: Orphanet 140162, MedGen C0027672, MeSH D009386, MONDO:0015356.

Submission:

Color Diagnostics, LLC DBA Color Health
Classification: Uncertain significance for Hereditary cancer-predisposing syndrome. Last evaluated: 2023-12-04. Review status: criteria provided, single submitter. Criteria: ACMG Guidelines, 2015. Collection method: clinical testing. Allele origin: germline.
Comment: This missense variant replaces isoleucine with asparagine at codon 83 of the CDH1 protein. Computational prediction tools and conservation analyses are inconclusive regarding the impact of this variant on protein structure and function. Splice site prediction tools suggest that this variant may not impact RNA splicing. To our knowledge, functional studies have not been performed for this variant. This variant has not been reported in individuals affected with hereditary cancer in the literature. This variant has not been identified in the general population by the Genome Aggregation Database (gnomAD). The available evidence is insufficient to determine the role of this variant in disease conclusively. Therefore, this variant is classified as a Variant of Uncertain Significance.

NM_004360.5(CDH1):c.248T>A (p.Ile83Asn)

Gene: CDH1 (cadherin 1; plus strand). Cytogenetic location: 16q22.1.
Variant type: single nucleotide variant.
Coding change: c.248T>A on transcript NM_004360.5 (MANE Select); coding-DNA position 248, T replaced by A.
Protein change: p.Ile83Asn; replaces isoleucine 83 with asparagine.
Molecular consequence: missense variant. On other transcripts: 5 prime UTR variant (2).
Genome position (GRCh38, 1-based): chr16:68,801,754, T>A. VCF-style: chr16-68801754-T-A. GRCh37 (hg19) VCF-style: chr16-68835657-T-A.
Other names: c.248T>A, p.Ile83Asn (NM_001317184.2); c.-1368T>A (NM_001317185.2); c.-1572T>A (NM_001317186.2); short protein forms I83N.
Identifiers: ClinVar variation 920966 (VCV000920966.5), dbSNP rs1960511670, ClinGen allele CA396457235.